The following is an entry in ClinVar:

ClinVar aggregate classification (germline): Uncertain significance. Review status: criteria provided, multiple submitters, no conflicts (2 of 4 stars). 2 submissions from 2 submitters: Uncertain significance (2). Last evaluated 2021-10-05.

Conditions:
Hyperkalemic periodic paralysis. Also called: Familial hyperkalemic periodic paralysis; Gamstorp disease. Identifiers: Orphanet 682, MedGen C0238357, MONDO:0008224, OMIM 170500, HP:0007215.

Submissions (2):

Labcorp Genetics (formerly Invitae), Labcorp
Classification: Uncertain significance for Hyperkalemic periodic paralysis. Last evaluated: 2021-10-05. Review status: criteria provided, single submitter. Criteria: Invitae Variant Classification Sherloc (09022015). Collection method: clinical testing. Allele origin: germline.
Comment: Algorithms developed to predict the effect of missense changes on protein structure and function are either unavailable or do not agree on the potential impact of this missense change (SIFT: "Deleterious"; PolyPhen-2: "Benign"; Align-GVGD: "Class C0"). This variant has not been reported in the literature in individuals affected with SCN4A-related conditions. This variant is not present in population databases (ExAC no frequency). This sequence change replaces tryptophan with cysteine at codon 318 of the SCN4A protein (p.Trp318Cys). The tryptophan residue is weakly conserved and there is a large physicochemical difference between tryptophan and cysteine. In summary, the available evidence is currently insufficient to determine the role of this variant in disease. Therefore, it has been classified as a Variant of Uncertain Significance.

GeneDx
Classification: Uncertain significance. Last evaluated: 2020-10-19. Review status: criteria provided, single submitter. Criteria: GeneDx Variant Classification Process June 2021. Collection method: clinical testing. Allele origin: germline. Affected: yes.
Comment: Not observed in large population cohorts (Lek et al., 2016); In silico analysis supports that this missense variant does not alter protein structure/function; Has not been previously published as pathogenic or benign to our knowledge

NM_000334.4(SCN4A):c.954G>T (p.Trp318Cys)

Gene: SCN4A (sodium voltage-gated channel alpha subunit 4; minus strand). Cytogenetic location: 17q23.3.
Variant type: single nucleotide variant.
Coding change: c.954G>T on transcript NM_000334.4 (MANE Select); coding-DNA position 954, G replaced by T.
Protein change: p.Trp318Cys; replaces tryptophan 318 with cysteine.
Molecular consequence: missense variant.
Genome position (GRCh38, 1-based): chr17:63,968,105, C>A on the plus strand (G>T on the coding strand, the complement: SCN4A is on the minus strand). VCF-style: chr17-63968105-C-A. GRCh37 (hg19) VCF-style: chr17-62045465-C-A.
Other names: short protein forms W318C.
Identifiers: ClinVar variation 1313463 (VCV001313463.8), dbSNP rs779130822, ClinGen allele CA400637330.